The following is an entry in ClinVar:

NM_014141.6(CNTNAP2):c.1905A>T (p.Lys635Asn)

Gene: CNTNAP2 (contactin associated protein 2; plus strand). Cytogenetic location: 7q35.
Variant type: single nucleotide variant.
Coding change: c.1905A>T on transcript NM_014141.6 (MANE Select); coding-DNA position 1905, A replaced by T.
Protein change: p.Lys635Asn; replaces lysine 635 with asparagine.
Molecular consequence: missense variant.
Genome position (GRCh38, 1-based): chr7:147,639,113, A>T. VCF-style: chr7-147639113-A-T. GRCh37 (hg19) VCF-style: chr7-147336205-A-T.
Other names: short protein forms K635N.
Identifiers: ClinVar variation 451133 (VCV000451133.2), dbSNP rs1554415956, ClinGen allele CA369926053.

ClinVar aggregate classification (germline): Uncertain significance (1 of 4 stars; one submission).

Allele frequency attached by ClinVar (database versions not stated): gnomAD exomes below 0.00001.
gnomAD v4.1: 1 of 1,614,106 alleles (0.000062%); highest among the groups gnomAD compares: South Asian, 0.0011%; no homozygotes.

Submission:

GeneDx
Classification: Uncertain significance. Last evaluated: 2017-08-03. Review status: criteria provided, single submitter. Criteria: GeneDx Variant Classification (06012015). Collection method: clinical testing. Allele origin: germline. Affected: yes.
Comment: The K635N variant has not been published as a pathogenic variant, nor has it been reported as a benign variant to our knowledge. The K635N variant is not observed in large population cohorts (Lek et al., 2016; 1000 Genomes Consortium et al., 2015; Exome Variant Server). The K635N variant is a semi-conservative amino acid substitution, which may impact secondary protein structure as these residues differ in some properties. This substitution occurs at a position that is conserved across species. In silico analysis is inconsistent in its predictions as to whether or not the variant is damaging to the protein structure/function. Therefore, based on the currently available information, it is unclear whether this variant is a pathogenic variant or a rare benign variant.